The following is an entry in ClinVar:

ClinVar aggregate classification (germline): Pathogenic (1 of 4 stars; one submission).

Conditions:
Euthyroid goiter (MNG1). Also called: Goiter, multinodular 1, with or without Sertoli-Leydig cell tumors; DICER1-Related Disorders; GOITER, NONTOXIC, WITH INTRATHYROIDAL CALCIFICATION; MULTINODULAR GOITER, ADOLESCENT; SIMPLE GOITER. Identifiers: Orphanet 276399, MedGen C0302859, MONDO:0007681, OMIM 138800, HP:0009798.

Submission:

Baylor Genetics
Classification: Pathogenic for Euthyroid goiter. Last evaluated: 2019-08-27. Review status: criteria provided, single submitter. Criteria: ACMG Guidelines, 2015. Collection method: clinical testing. Allele origin: unknown. Affected: yes. Study: CSER-TexasKidsCanSeq.
Comment: This variant was determined to be pathogenic according to ACMG Guidelines, 2015 [PMID:25741868].

NM_177438.3(DICER1):c.2157dup (p.Val720fs)

Gene: DICER1 (dicer 1, ribonuclease III; minus strand). Cytogenetic location: 14q32.13.
Variant type: Duplication.
Coding change: c.2157dup on transcript NM_177438.3 (MANE Select); coding-DNA position 2157, one base duplicated (T; older notation c.2157dupT).
Protein change: p.Val720fs; shifts the reading frame from valine 720.
Molecular consequence: frameshift variant.
Genome position (GRCh38, 1-based): chr14:95,111,416, A duplicated on the plus strand (T on the coding strand, the reverse complement: DICER1 is on the minus strand). VCF-style (leftmost placement, unchanged base first): chr14-95111415-C-CA. GRCh37 (hg19) VCF-style: chr14-95577752-C-CA.
Other names: c.2157dup, p.Val720fs (NM_001195573.1, NM_001271282.3, NM_001291628.2 and 1 more transcripts); short protein forms V720fs.
Identifiers: ClinVar variation 997605 (VCV000997605.2), dbSNP rs1891948958, ClinGen allele CA913203520.
Genomic context (GRCh38, chr14:95,111,415, plus strand): 5'-GTCTTCCTGGAACACTGGTCTCTTCTTCATCATGCAAATCAAGCTCCTCTTCATATTTAA[C>CA]AGTCTCTTTCCCAACTGGCATCAAATGGTCATCCAGTTCGCCTAACAAATTTAAAGAGAG-3'